The following is an entry in ClinVar:

ClinVar aggregate classification (germline): Uncertain significance (1 of 4 stars; one submission).

Submission:

Ambry Genetics
Classification: Uncertain significance. Last evaluated: 2025-11-27. Review status: criteria provided, single submitter. Criteria: Ambry Variant Classification Scheme 2023. Collection method: clinical testing. Allele origin: germline.
Comment: The p.V456A variant (also known as c.1367T>C), located in coding exon 8 of the ATRIP gene, results from a T to C substitution at nucleotide position 1367. The valine at codon 456 is replaced by alanine, an amino acid with similar properties. This amino acid position is conserved. In addition, this alteration is predicted to be tolerated by in silico analysis. Based on the available evidence, the clinical significance of this variant remains unclear.

NM_130384.3(ATRIP):c.1367T>C (p.Val456Ala)

Genes: ATRIP (ATR interacting protein; plus strand), ATRIP-TREX1 (ATRIP-TREX1 readthrough; plus strand). Cytogenetic location: 3p21.31.
Variant type: single nucleotide variant.
Coding change: c.1367T>C on transcript NM_130384.3 (MANE Select); coding-DNA position 1367, T replaced by C.
Protein change: p.Val456Ala; replaces valine 456 with alanine.
Molecular consequence: missense variant. On other transcripts: non-coding transcript variant (1).
Genome position (GRCh38, 1-based): chr3:48,460,421, T>C. VCF-style: chr3-48460421-T-C. GRCh37 (hg19) VCF-style: chr3-48501820-T-C.
Other names: c.986T>C, p.Val329Ala (NM_001271022.2); c.1088T>C, p.Val363Ala (NM_001271023.2); c.1367T>C, p.Val456Ala (NM_032166.4); short protein forms V329A, V456A, V363A.
Identifiers: ClinVar variation 4644597 (VCV004644597.1).